The following is an entry in ClinVar:

ClinVar aggregate classification (germline): Likely pathogenic (1 of 4 stars; one submission).

Conditions:
Familial adenomatous polyposis 4 (FAP4). Also called: MSH3-related attenuated familial adenomatous polyposis. Identifiers: Orphanet 480536, MedGen C4310719, MONDO:0044300, OMIM 617100.

Submission:

First Genomix Gene Laboratory, Genetic Diagnostics Department
Classification: Likely pathogenic for Familial adenomatous polyposis 4. Last evaluated: 2025-03-21. Review status: criteria provided, single submitter. Criteria: ACMG Guidelines, 2015. Collection method: clinical testing. Allele origin: germline. Inheritance: Autosomal recessive inheritance. Affected: no. Observed: 1 variant allele.

NM_002439.5(MSH3):c.278dup (p.Asn93fs)

Gene: MSH3 (mutS homolog 3; plus strand). Cytogenetic location: 5q14.1.
Variant type: Duplication.
Coding change: c.278dup on transcript NM_002439.5 (MANE Select); coding-DNA position 278, one base duplicated (A; older notation c.278dupA).
Protein change: p.Asn93fs; shifts the reading frame from asparagine 93.
Molecular consequence: frameshift variant.
Genome position (GRCh38, 1-based): chr5:80,656,451, A duplicated; the last of 4 consecutive A bases (chr5:80,656,448-80,656,451); duplicating any one gives the same sequence. VCF-style (leftmost placement, unchanged base first): chr5-80656447-G-GA. GRCh37 (hg19) VCF-style: chr5-79952266-G-GA.
Other names: c.278dupA (NM_002439.5); short protein forms N93fs.
Identifiers: ClinVar variation 4845786 (VCV004845786.1).